The following is an entry in ClinVar:

ClinVar aggregate classification (germline): Uncertain significance. Review status: criteria provided, multiple submitters, no conflicts (2 of 4 stars). 3 submissions from 3 submitters: Uncertain significance (2). 1 of the submissions does not count toward it. Last evaluated 2025-08-19.

Conditions:
Inborn genetic diseases. Identifiers: MedGen C0950123, MeSH D030342.
Ehlers-Danlos syndrome, dermatosparaxis type. Also called: Dermatosparaxis; Ehlers-Danlos syndrome, type VII, autosomal recessive; EDS VIIC. Identifiers: Orphanet 1901, MedGen C2700425, MONDO:0009161, OMIM 225410.

Allele frequency attached by ClinVar (database versions not stated): gnomAD 0.00001 and 0.00002; TOPMed 0.00002; ExAC 0.00005.
gnomAD v4.1: 9 of 1,568,814 alleles (0.00057%); highest among the groups gnomAD compares: African/African-American, 0.0027%; no homozygotes.

Submissions (3):

Ambry Genetics
Classification: Uncertain significance for Inborn genetic diseases. Last evaluated: 2025-08-19. Review status: criteria provided, single submitter. Criteria: Ambry Variant Classification Scheme 2023. Collection method: clinical testing. Allele origin: germline.

Labcorp Genetics (formerly Invitae), Labcorp
Classification: Uncertain significance for Ehlers-Danlos syndrome, dermatosparaxis type. Last evaluated: 2025-03-26. Review status: criteria provided, single submitter. Criteria: Invitae Variant Classification Sherloc (09022015). Collection method: clinical testing. Allele origin: germline.
Comment: This sequence change replaces arginine, which is basic and polar, with glutamine, which is neutral and polar, at codon 649 of the ADAMTS2 protein (p.Arg649Gln). The frequency data for this variant in the population databases is considered unreliable, as metrics indicate poor data quality at this position in the gnomAD database. This variant has not been reported in the literature in individuals affected with ADAMTS2-related conditions. ClinVar contains an entry for this variant (Variation ID: 850774). An algorithm developed to predict the effect of missense changes on protein structure and function (PolyPhen-2) suggests that this variant is likely to be tolerated. In summary, the available evidence is currently insufficient to determine the role of this variant in disease. Therefore, it has been classified as a Variant of Uncertain Significance.

Natera, Inc.
Classification: Uncertain significance for Ehlers-Danlos syndrome type VIIC. Last evaluated: 2021-05-20. Review status: no assertion criteria provided. Collection method: clinical testing. Allele origin: germline. Not counted in ClinVar's aggregate classification.

NM_014244.5(ADAMTS2):c.1946G>A (p.Arg649Gln)

Gene: ADAMTS2 (ADAM metallopeptidase with thrombospondin type 1 motif 2; minus strand). Cytogenetic location: 5q35.3.
Variant type: single nucleotide variant.
Coding change: c.1946G>A on transcript NM_014244.5 (MANE Select); coding-DNA position 1946, G replaced by A.
Protein change: p.Arg649Gln; replaces arginine 649 with glutamine.
Molecular consequence: missense variant.
Genome position (GRCh38, 1-based): chr5:179,137,774, C>T on the plus strand (G>A on the coding strand, the complement: ADAMTS2 is on the minus strand). VCF-style: chr5-179137774-C-T. GRCh37 (hg19) VCF-style: chr5-178564775-C-T.
Other names: short protein forms R649Q.
Identifiers: ClinVar variation 850774 (VCV000850774.9), dbSNP rs766541864, ClinGen allele CA3595741.